The following is an entry in ClinVar:

ClinVar aggregate classification (germline): Uncertain significance. Review status: criteria provided, multiple submitters, no conflicts (2 of 4 stars). 2 submissions from 2 submitters: Uncertain significance (2). Last evaluated 2024-07-09.

gnomAD v4.1: 1 of 1,211,132 alleles (0.000083%); no homozygotes.

Submissions (2):

Greenwood Genetic Center Diagnostic Laboratories, Greenwood Genetic Center
Classification: Uncertain significance. Last evaluated: 2024-07-09. Review status: criteria provided, single submitter. Criteria: ACMG Guidelines, 2015. Collection method: clinical testing. Allele origin: germline. Affected: yes.
Comment: PM2

Ambry Genetics
Classification: Uncertain significance. Last evaluated: 2024-01-23. Review status: criteria provided, single submitter. Criteria: Ambry Variant Classification Scheme 2023. Collection method: clinical testing. Allele origin: germline.

NM_032539.5(SLITRK2):c.886A>G (p.Thr296Ala)

Gene: SLITRK2 (SLIT and NTRK like family member 2; plus strand). Cytogenetic location: Xq27.3.
Variant type: single nucleotide variant.
Coding change: c.886A>G on transcript NM_032539.5 (MANE Select); coding-DNA position 886, A replaced by G.
Protein change: p.Thr296Ala; replaces threonine 296 with alanine.
Molecular consequence: missense variant.
Genome position (GRCh38, 1-based): chrX:145,823,311, A>G. VCF-style: chrX-145823311-A-G. GRCh37 (hg19) VCF-style: chrX-144904829-A-G.
Other names: c.886A>G, p.Thr296Ala (NM_001144003.3, NM_001144004.3, NM_001144005.3 and 4 more transcripts); short protein forms T296A.
Identifiers: ClinVar variation 3166075 (VCV003166075.2), dbSNP rs2521291449, ClinGen allele CA414501851.